The following is an entry in ClinVar:

NM_000256.3(MYBPC3):c.3605del (p.Cys1202fs)

Gene: MYBPC3 (myosin binding protein C3; minus strand). Cytogenetic location: 11p11.2.
Variant type: Deletion.
Coding change: c.3605del on transcript NM_000256.3 (MANE Select); coding-DNA position 3605, one base deleted (G; older notation c.3605delG).
Protein change: p.Cys1202fs; shifts the reading frame from cysteine 1202.
Molecular consequence: frameshift variant.
Genome position (GRCh38, 1-based): chr11:47,332,588, C deleted on the plus strand (G on the coding strand, the reverse complement: MYBPC3 is on the minus strand). VCF-style (leftmost placement, unchanged base first): chr11-47332587-AC-A. GRCh37 (hg19) VCF-style: chr11-47354138-AC-A.
Other names: c.3605delG (NM_000256.3); short protein forms C1202fs.
Identifiers: ClinVar variation 3362878 (VCV003362878.3).
Genomic context (GRCh38, chr11:47,332,587, plus strand): 5'-CCTCCTGGTCGGCCTGGACCAGCGCCTAAAGTTCCCTACCTTGGGGCTACCCCGGACAGC[AC>A]AGCAGAGCATAGCAGTGTAGCCCGCGATGACCGAGCGGTTCACCAGGGGCTGGGTGAAGC-3'

ClinVar aggregate classification (germline): Pathogenic. Review status: criteria provided, single submitter (1 of 4 stars). 2 submissions from 2 submitters: Pathogenic (1). 1 of the submissions does not count toward it. Last evaluated 2024-09-15.

Conditions:
Hypertrophic cardiomyopathy. Also called: HYPERTROPHIC MYOCARDIOPATHY. Identifiers: Orphanet 217569, MedGen C0007194, MeSH D002312, MONDO:0005045, HP:0001639.

Submissions (2):

Labcorp Genetics (formerly Invitae), Labcorp
Classification: Pathogenic for Hypertrophic cardiomyopathy. Last evaluated: 2024-09-15. Review status: criteria provided, single submitter. Criteria: Invitae Variant Classification Sherloc (09022015). Collection method: clinical testing. Allele origin: germline.
Comment: This sequence change creates a premature translational stop signal (p.Cys1202Leufs*35) in the MYBPC3 gene. It is expected to result in an absent or disrupted protein product. Loss-of-function variants in MYBPC3 are known to be pathogenic (PMID: 19574547). This variant is not present in population databases (gnomAD no frequency). This premature translational stop signal has been observed in individual(s) with hypertrophic cardiomyopathy (PMID: 27532257). For these reasons, this variant has been classified as Pathogenic.

Zaffran Lab, Genetics of Cardiac Diseases Laboratory, Marseille Medical Genetics
Classification: Uncertain significance for hypertrophic cardiomyopathy. Review status: no assertion criteria provided. Collection method: research. Allele origin: unknown. Affected: yes. Not counted in ClinVar's aggregate classification.

Literature cited by the submitters: PubMed 19574547 (cited by Labcorp Genetics (formerly Invitae), Labcorp); PubMed 27532257 (cited by Labcorp Genetics (formerly Invitae), Labcorp).